The following is an entry in ClinVar:

ClinVar aggregate classification (germline): Uncertain significance (1 of 4 stars; one submission).

Allele frequency attached by ClinVar (database versions not stated): gnomAD 0.00001; gnomAD exomes 0.00001; TOPMed 0.00001.
gnomAD v4.1: 15 of 1,608,698 alleles (0.00093%); highest among the groups gnomAD compares: Admixed American, 0.0017%; no homozygotes.

Submission:

Labcorp Genetics (formerly Invitae), Labcorp
Classification: Uncertain significance. Last evaluated: 2026-01-28. Review status: criteria provided, single submitter. Criteria: Invitae Variant Classification Sherloc (09022015). Collection method: clinical testing. Allele origin: germline.
Comment: This sequence change replaces arginine, which is basic and polar, with histidine, which is basic and polar, at codon 1152 of the PTPN23 protein (p.Arg1152His). The frequency data for this variant in the population databases is considered unreliable, as metrics indicate poor data quality at this position in the gnomAD database. This variant has not been reported in the literature in individuals affected with PTPN23-related conditions. ClinVar contains an entry for this variant (Variation ID: 2041440). An algorithm developed to predict the effect of missense changes on protein structure and function (PolyPhen-2) suggests that this variant is likely to be tolerated. In summary, the available evidence is currently insufficient to determine the role of this variant in disease. Therefore, it has been classified as a Variant of Uncertain Significance.

NM_015466.4(PTPN23):c.3455G>A (p.Arg1152His)

Gene: PTPN23 (protein tyrosine phosphatase non-receptor type 23; plus strand). Cytogenetic location: 3p21.31.
Variant type: single nucleotide variant.
Coding change: c.3455G>A on transcript NM_015466.4 (MANE Select); coding-DNA position 3455, G replaced by A.
Protein change: p.Arg1152His; replaces arginine 1152 with histidine.
Molecular consequence: missense variant.
Genome position (GRCh38, 1-based): chr3:47,411,253, G>A. VCF-style: chr3-47411253-G-A. GRCh37 (hg19) VCF-style: chr3-47452743-G-A.
Other names: c.3077G>A, p.Arg1026His (NM_001304482.2); short protein forms R1026H, R1152H.
Identifiers: ClinVar variation 2041440 (VCV002041440.4), dbSNP rs1352205861, ClinGen allele CA352562330.